The following is an entry in ClinVar:

NM_001048174.2(MUTYH):c.1322T>C (p.Val441Ala)

Gene: MUTYH (mutY DNA glycosylase; minus strand). Cytogenetic location: 1p34.1.
Variant type: single nucleotide variant.
Coding change: c.1322T>C on transcript NM_001048174.2 (MANE Select); coding-DNA position 1322, T replaced by C.
Protein change: p.Val441Ala; replaces valine 441 with alanine.
Molecular consequence: missense variant. On other transcripts: non-coding transcript variant (7).
Genome position (GRCh38, 1-based): chr1:45,331,252, A>G on the plus strand (T>C on the coding strand, the complement: MUTYH is on the minus strand). VCF-style: chr1-45331252-A-G. GRCh37 (hg19) VCF-style: chr1-45796924-A-G.
Other names: c.1322T>C, p.Val441Ala (NM_001048171.2, NM_001048173.2, NM_001407072.1 and 6 more transcripts); c.1325T>C, p.Val442Ala (NM_001048172.2, NM_001407078.1, NM_001407071.1 and 1 more transcripts); c.1406T>C, p.Val469Ala (NM_001128425.2); c.1238T>C, p.Val413Ala (NM_001407075.1); c.1355T>C, p.Val452Ala (NM_001407077.1, NM_001293191.2, NM_001407069.1); c.1283T>C, p.Val428Ala (NM_001407079.1); c.1280T>C, p.Val427Ala (NM_001407080.1); c.977T>C, p.Val326Ala (NM_001407082.1, NM_001350650.2, NM_001350651.2); and 5 more; short protein forms V326A, V349A, V428A, V448A, V455A, V456A, V413A, V427A.
Identifiers: ClinVar variation 2816916 (VCV002816916.4), dbSNP rs2523913093, ClinGen allele CA340132637.
Genomic context (GRCh38, chr1:45,331,252, plus strand): 5'-GCGGTGGAAACAGCTGCGGTGTGAAATTCCTCCTGCGTCAGCCAGCGAGCACCTGGTGGT[A>G]CGGTGGTCACTGGGGTCTGCCCTTCCAAGGCCAGCCCATATACTTGATATGTCAGCTTGA-3'
Protein context (NP_001041639.1, residues 431-451): ALEGQTPVTT[Val441Ala]PPGARWLTQE

ClinVar aggregate classification (germline): Conflicting classifications of pathogenicity. Review status: criteria provided, conflicting classifications (1 of 4 stars). 2 submissions from 2 submitters: Uncertain significance (1); Likely benign (1). Last evaluated 2025-08-27.

Conditions:
Familial adenomatous polyposis 2. Also called: MUTYH-related attenuated familial adenomatous polyposis; COLORECTAL ADENOMATOUS POLYPOSIS, AUTOSOMAL RECESSIVE; ADENOMAS, MULTIPLE COLORECTAL, AUTOSOMAL RECESSIVE; MYH-associated polyposis; MUTYH-associated polyposis; MUTYH Polyposis. Identifiers: Orphanet 220460, Orphanet 247798, MedGen C3272841, MONDO:0012041, OMIM 608456.
Hereditary cancer-predisposing syndrome. Also called: Neoplastic Syndromes, Hereditary; Hereditary neoplastic syndrome; Hereditary Cancer Syndrome; Tumor predisposition. Identifiers: Orphanet 140162, MedGen C0027672, MeSH D009386, MONDO:0015356.

Submissions (2):

Ambry Genetics
Classification: Likely benign for Hereditary cancer-predisposing syndrome. Last evaluated: 2025-08-27. Review status: criteria provided, single submitter. Criteria: Ambry Variant Classification Scheme 2023. Collection method: clinical testing. Allele origin: germline.

Labcorp Genetics (formerly Invitae), Labcorp
Classification: Uncertain significance for Familial adenomatous polyposis 2. Last evaluated: 2022-11-26. Review status: criteria provided, single submitter. Criteria: Invitae Variant Classification Sherloc (09022015). Collection method: clinical testing. Allele origin: germline.
Comment: This sequence change replaces valine, which is neutral and non-polar, with alanine, which is neutral and non-polar, at codon 469 of the MUTYH protein (p.Val469Ala). This variant is not present in population databases (gnomAD no frequency). This variant has not been reported in the literature in individuals affected with MUTYH-related conditions. Algorithms developed to predict the effect of missense changes on protein structure and function output the following: SIFT: "Tolerated"; PolyPhen-2: "Benign"; Align-GVGD: "Class C0". The alanine amino acid residue is found in multiple mammalian species, which suggests that this missense change does not adversely affect protein function. In summary, the available evidence is currently insufficient to determine the role of this variant in disease. Therefore, it has been classified as a Variant of Uncertain Significance.